The following is an entry in ClinVar:

NM_020821.3(VPS13C):c.10414+6T>G

Gene: VPS13C (vacuolar protein sorting 13 homolog C; minus strand). Cytogenetic location: 15q22.2.
Variant type: single nucleotide variant.
Coding change: c.10414+6T>G on transcript NM_020821.3 (MANE Select); 6 bases into the intron after coding-DNA position 10414, T replaced by G.
Molecular consequence: intron variant.
Genome position (GRCh38, 1-based): chr15:61,874,870, A>C on the plus strand (T>G on the coding strand, the complement: VPS13C is on the minus strand). VCF-style: chr15-61874870-A-C. GRCh37 (hg19) VCF-style: chr15-62167069-A-C.
Other names: c.10285+6T>G (NM_017684.5, NM_018080.4); c.10414+6T>G (NM_001018088.3).
Identifiers: ClinVar variation 3049735 (VCV003049735.2), dbSNP rs1895298956, ClinGen allele CA2181904437.

ClinVar aggregate classification (germline): Likely benign (0 of 4 stars; one submission).

Conditions:
VPS13C-related disorder. Also called: VPS13C-related condition.

Submission:

PreventionGenetics, part of Exact Sciences
Classification: Likely benign for VPS13C-related condition. Last evaluated: 2019-07-12. Review status: no assertion criteria provided. Collection method: clinical testing. Allele origin: germline.
Comment: This variant is classified as likely benign based on ACMG/AMP sequence variant interpretation guidelines (Richards et al. 2015 PMID: 25741868, with internal and published modifications).